The following is an entry in ClinVar:

ClinVar aggregate classification (germline): Uncertain significance (1 of 4 stars; one submission).

Conditions:
Cardiovascular phenotype. Identifiers: MedGen CN230736.

Submission:

Molecular Diagnostic Laboratory for Inherited Cardiovascular Disease, Montreal Heart Institute
Classification: Uncertain significance for Cardiovascular phenotype. Last evaluated: 2026-09-21. Review status: criteria provided, single submitter. Criteria: ACMG Guidelines, 2015. Collection method: clinical testing. Allele origin: germline. Affected: yes.
Comment: PM1, PM2, PP3

NM_000257.4(MYH7):c.2111T>C (p.Ile704Thr)

Gene: MYH7 (myosin heavy chain 7; minus strand). Cytogenetic location: 14q11.2.
Variant type: single nucleotide variant.
Coding change: c.2111T>C on transcript NM_000257.4 (MANE Select); coding-DNA position 2111, T replaced by C.
Protein change: p.Ile704Thr; replaces isoleucine 704 with threonine.
Molecular consequence: missense variant.
Genome position (GRCh38, 1-based): chr14:23,426,015, A>G on the plus strand (T>C on the coding strand, the complement: MYH7 is on the minus strand). VCF-style: chr14-23426015-A-G. GRCh37 (hg19) VCF-style: chr14-23895224-A-G.
Other names: c.2111T>C, p.Ile704Thr (NM_001407004.1); short protein forms I704T.
Identifiers: ClinVar variation 5037835 (VCV005037835.1).